The following is an entry in ClinVar:

NM_007186.6(CEP250):c.3940G>C (p.Glu1314Gln)

Gene: CEP250 (centrosomal protein 250; plus strand). Cytogenetic location: 20q11.22.
Variant type: single nucleotide variant.
Coding change: c.3940G>C on transcript NM_007186.6 (MANE Select); coding-DNA position 3940, G replaced by C.
Protein change: p.Glu1314Gln; replaces glutamic acid 1314 with glutamine.
Molecular consequence: missense variant.
Genome position (GRCh38, 1-based): chr20:35,501,886, G>C. VCF-style: chr20-35501886-G-C. GRCh37 (hg19) VCF-style: chr20-34089713-G-C.
Other names: c.2044G>C, p.Glu682Gln (NM_001318219.1); short protein forms E682Q, E1314Q.
Identifiers: ClinVar variation 1521485 (VCV001521485.6), dbSNP rs2147142358, ClinGen allele CA408746532.
Genomic context (GRCh38, chr20:35,501,886, plus strand): 5'-CTCTCCTCTCTTCTCAAAGAGAAATCTAAGTGGGAAGGAAAGCAGAACTCCCTAGAATCT[G>C]AGCTGATGGAACTACATGAAACTATGGCATCCTTACAGAGTCGCCTGCGGAGAGCAGAGC-3'
Protein context (NP_009117.2, residues 1304-1324): WEGKQNSLES[Glu1314Gln]LMELHETMAS

ClinVar aggregate classification (germline): Uncertain significance (1 of 4 stars; one submission).

Submission:

Labcorp Genetics (formerly Invitae), Labcorp
Classification: Uncertain significance. Last evaluated: 2022-10-17. Review status: criteria provided, single submitter. Criteria: Invitae Variant Classification Sherloc (09022015). Collection method: clinical testing. Allele origin: germline.
Comment: In summary, the available evidence is currently insufficient to determine the role of this variant in disease. Therefore, it has been classified as a Variant of Uncertain Significance. Algorithms developed to predict the effect of missense changes on protein structure and function are either unavailable or do not agree on the potential impact of this missense change (SIFT: "Not Available"; PolyPhen-2: "Probably Damaging"; Align-GVGD: "Not Available"). ClinVar contains an entry for this variant (Variation ID: 1521485). This variant has not been reported in the literature in individuals affected with CEP250-related conditions. This variant is not present in population databases (gnomAD no frequency). This sequence change replaces glutamic acid with glutamine at codon 1314 of the CEP250 protein (p.Glu1314Gln). The glutamic acid residue is highly conserved and there is a small physicochemical difference between glutamic acid and glutamine.